The following is an entry in ClinVar:

NM_015978.3(TNNI3K):c.995A>T (p.Asn332Ile)

Genes: TNNI3K (TNNI3 interacting kinase; plus strand), FPGT-TNNI3K (FPGT-TNNI3K readthrough; plus strand). Cytogenetic location: 1p31.1.
Variant type: single nucleotide variant.
Coding change: c.995A>T on transcript NM_015978.3 (MANE Select); coding-DNA position 995, A replaced by T.
Protein change: p.Asn332Ile; replaces asparagine 332 with isoleucine.
Molecular consequence: missense variant.
Genome position (GRCh38, 1-based): chr1:74,353,328, A>T. VCF-style: chr1-74353328-A-T. GRCh37 (hg19) VCF-style: chr1-74819012-A-T.
Other names: c.1298A>T, p.Asn433Ile (NM_001112808.3, NM_001199327.2); short protein forms N332I, N433I.
Identifiers: ClinVar variation 3679842 (VCV003679842.2).

ClinVar aggregate classification (germline): Uncertain significance (1 of 4 stars; one submission).

gnomAD v4.1: 23 of 1,613,920 alleles (0.0014%); highest among the groups gnomAD compares: East Asian, 0.049%; no homozygotes.

Submission:

Labcorp Genetics (formerly Invitae), Labcorp
Classification: Uncertain significance. Last evaluated: 2025-06-29. Review status: criteria provided, single submitter. Criteria: Invitae Variant Classification Sherloc (09022015). Collection method: clinical testing. Allele origin: germline.
Comment: This sequence change replaces asparagine, which is neutral and polar, with isoleucine, which is neutral and non-polar, at codon 332 of the TNNI3K protein (p.Asn332Ile). This variant is not present in population databases (gnomAD no frequency). This variant has not been reported in the literature in individuals affected with TNNI3K-related conditions. ClinVar contains an entry for this variant (Variation ID: 3679842). Invitae Evidence Modeling of protein sequence and biophysical properties (such as structural, functional, and spatial information, amino acid conservation, physicochemical variation, residue mobility, and thermodynamic stability) indicates that this missense variant is not expected to disrupt TNNI3K protein function with a negative predictive value of 80%. In summary, the available evidence is currently insufficient to determine the role of this variant in disease. Therefore, it has been classified as a Variant of Uncertain Significance.